The following is an entry in ClinVar:

NM_001165963.4(SCN1A):c.4969del (p.Arg1657fs)

Genes: SCN1A (sodium voltage-gated channel alpha subunit 1; minus strand), LOC102724058 (uncharacterized LOC102724058; plus strand). Cytogenetic location: 2q24.3.
Variant type: Deletion.
Coding change: c.4969del on transcript NM_001165963.4 (MANE Select); coding-DNA position 4969, one base deleted (C; older notation c.4969delC).
Protein change: p.Arg1657fs; shifts the reading frame from arginine 1657.
Molecular consequence: frameshift variant. On other transcripts: non-coding transcript variant (1).
Genome position (GRCh38, 1-based): chr2:165,992,306, G deleted on the plus strand (C on the coding strand, the reverse complement: SCN1A is on the minus strand); the first of 2 consecutive G bases (chr2:165,992,306-165,992,307); deleting either gives the same sequence. VCF-style (leftmost placement, unchanged base first): chr2-165992305-CG-C. GRCh37 (hg19) VCF-style: chr2-166848815-CG-C.
Other names: c.4885del, p.Arg1629fs (NM_001165964.3, NM_001353957.2, NM_001353958.2); c.4969del, p.Arg1657fs (NM_001202435.3, NM_001353948.2); c.4936del, p.Arg1646fs (NM_001353949.2, NM_001353950.2, NM_001353951.2 and 2 more transcripts); c.4933del, p.Arg1645fs (NM_001353954.2, NM_001353955.2); c.4882del, p.Arg1628fs (NM_001353960.2); c.2527del, p.Arg843fs (NM_001353961.2); short protein forms R1628fs, R1645fs, R1646fs, R843fs, R1629fs, R1657fs.
Identifiers: ClinVar variation 949415 (VCV000949415.10), dbSNP rs1689347935, ClinGen allele CA1139655681.

ClinVar aggregate classification (germline): Pathogenic (1 of 4 stars; one submission).

Conditions:
Early-infantile DEE. Also called: Early infantile epileptic encephalopathy; Ohtahara syndrome; Early infantile epileptic encephalopathy with suppression bursts. Identifiers: Orphanet 1934, MedGen C0393706, MONDO:0800491.

Submission:

Labcorp Genetics (formerly Invitae), Labcorp
Classification: Pathogenic for Early-infantile DEE. Last evaluated: 2019-05-15. Review status: criteria provided, single submitter. Criteria: Invitae Variant Classification Sherloc (09022015). Collection method: clinical testing. Allele origin: germline.
Comment: This sequence change results in a premature translational stop signal in the SCN1A gene (p.Arg1657Alafs*7). While this is not anticipated to result in nonsense mediated decay, it is expected to disrupt the last 353 amino acids of the SCN1A protein. This variant is not present in population databases (ExAC no frequency). This variant has not been reported in the literature in individuals with SCN1A-related conditions. This variant disrupts the C-terminus of the SCN1A protein. Other variant(s) that disrupt this region (p.Phe1661Cysfs*11) have been determined to be pathogenic (PMID: 17054684,11940708, 19563349). This suggests that variants that disrupt this region of the protein are likely to be causative of disease. For these reasons, this variant has been classified as Pathogenic.

Literature cited by the submitters: PubMed 17054684; PubMed 11940708; PubMed 19563349.